The following is an entry in ClinVar:

ClinVar aggregate classification (germline): Uncertain significance (1 of 4 stars; one submission).

Conditions:
Pseudo-Hurler polydystrophy. Also called: ML III; ML III ALPHA/BETA; MUCOLIPIDOSIS IIIA; Type III Mucolipidosis; ML IIIA; Mucolipidosis III Alpha/Beta. Identifiers: Orphanet 423461, Orphanet 577, MedGen C0033788, MONDO:0018931, OMIM 252600.
Mucolipidosis type II. Also called: ML II ALPHA/BETA; Mucolipidosis 2; ML 2; Inclusion cell disease; Leroy Disease; N-acetylglucosamine 1phosphotransferase deficiency. Identifiers: Orphanet 576, MedGen C2673377, MONDO:0009650, OMIM 252500.

Allele frequency attached by ClinVar (database versions not stated): TOPMed below 0.00001; gnomAD 0.00001.

Submission:

Labcorp Genetics (formerly Invitae), Labcorp
Classification: Uncertain significance for Pseudo-Hurler polydystrophy; Mucolipidosis type II. Last evaluated: 2021-05-12. Review status: criteria provided, single submitter. Criteria: Invitae Variant Classification Sherloc (09022015). Collection method: clinical testing. Allele origin: germline.
Comment: This variant is not present in population databases (ExAC no frequency). This sequence change replaces leucine with phenylalanine at codon 87 of the GNPTAB protein (p.Leu87Phe). The leucine residue is moderately conserved and there is a small physicochemical difference between leucine and phenylalanine. This variant has not been reported in the literature in individuals with GNPTAB-related conditions. In summary, the available evidence is currently insufficient to determine the role of this variant in disease. Therefore, it has been classified as a Variant of Uncertain Significance. Algorithms developed to predict the effect of missense changes on protein structure and function (SIFT, PolyPhen-2, Align-GVGD) all suggest that this variant is likely to be tolerated, but these predictions have not been confirmed by published functional studies and their clinical significance is uncertain.

NM_024312.5(GNPTAB):c.259C>T (p.Leu87Phe)

Gene: GNPTAB (N-acetylglucosamine-1-phosphate transferase subunits alpha and beta; minus strand). Cytogenetic location: 12q23.2.
Variant type: single nucleotide variant.
Coding change: c.259C>T on transcript NM_024312.5 (MANE Select); coding-DNA position 259, C replaced by T.
Protein change: p.Leu87Phe; replaces leucine 87 with phenylalanine.
Molecular consequence: missense variant.
Genome position (GRCh38, 1-based): chr12:101,790,002, G>A on the plus strand (C>T on the coding strand, the complement: GNPTAB is on the minus strand). VCF-style: chr12-101790002-G-A. GRCh37 (hg19) VCF-style: chr12-102183780-G-A.
Other names: short protein forms L87F.
Identifiers: ClinVar variation 1363647 (VCV001363647.8), dbSNP rs1868888946, ClinGen allele CA386305472.